The following is an entry in ClinVar:

NM_001035.3(RYR2):c.12977A>G (p.Lys4326Arg)

Genes: RYR2 (ryanodine receptor 2; plus strand), LOC126806068 (BRD4-independent group 4 enhancer GRCh37_chr1:237947411-237948610; plus strand). Cytogenetic location: 1q43.
Variant type: single nucleotide variant.
Coding change: c.12977A>G on transcript NM_001035.3 (MANE Select); coding-DNA position 12977, A replaced by G.
Protein change: p.Lys4326Arg; replaces lysine 4326 with arginine.
Molecular consequence: missense variant.
Genome position (GRCh38, 1-based): chr1:237,784,689, A>G. VCF-style: chr1-237784689-A-G. GRCh37 (hg19) VCF-style: chr1-237947989-A-G.
Other names: short protein forms K4326R.
Identifiers: ClinVar variation 3385858 (VCV003385858.1).
Genomic context (GRCh38, chr1:237,784,689, plus strand): 5'-TCCGCATCATTTGCAGCCTGCTGCTTGGGGGAAGCCTCGTCGAAGGTGCTAAAAAGATCA[A>G]AGTTGCAGAACTGTTAGCCAACATGCCAGACCCCACTCAGGATGAGGTTAGAGGAGATGG-3'
Protein context (NP_001026.2, residues 4316-4336): GSLVEGAKKI[Lys4326Arg]VAELLANMPD

ClinVar aggregate classification (germline): Uncertain significance (1 of 4 stars; one submission).

Conditions:
Catecholaminergic polymorphic ventricular tachycardia (CVPT). Also called: Catecholamine-induced polymorphic ventricular tachycardia. Identifiers: Orphanet 3286, MedGen C5574922, MONDO:0017990.

Submission:

All of Us Research Program, National Institutes of Health
Classification: Uncertain significance for Catecholaminergic polymorphic ventricular tachycardia. Last evaluated: 2024-03-05. Review status: criteria provided, single submitter. Criteria: ACMG Guidelines, 2015. Collection method: clinical testing. Allele origin: germline. Inheritance: Autosomal dominant inheritance. Observed: 1 variant allele, 1 heterozygote.
Comment: This study involves interpretation of variants in research participants for the purpose of population health screening. Participant phenotype was not available at the time of variant classification. Additional details can be found in publication PMID: 35346344, PMCID: PMC8962531